The following is an entry in ClinVar:

NC_000007.14:g.(?_105532316)_(105547343_?)dup

Gene: RINT1 (RAD50 interactor 1; plus strand). Cytogenetic location: 7q22.3.
Variant type: Duplication.
Identifiers: ClinVar variation 3245928 (VCV003245928.1).

ClinVar aggregate classification (germline): Uncertain significance (1 of 4 stars; one submission).

Submission:

Labcorp Genetics (formerly Invitae), Labcorp
Classification: Uncertain significance. Last evaluated: 2023-09-27. Review status: criteria provided, single submitter. Criteria: Invitae Variant Classification Sherloc (09022015). Collection method: clinical testing. Allele origin: unknown.
Comment: In summary, the available evidence is currently insufficient to determine the role of this variant in disease. Therefore, it has been classified as a Variant of Uncertain Significance. This variant has not been reported in the literature in individuals affected with RINT1-related conditions. This variant results in a copy number gain of the genomic region encompassing exon(s) 1-6 of the RINT1 gene. This region includes the initiator codon of the gene. This copy number gain extends beyond the assayed region for this gene and therefore may encompass additional genes. As the precise location of this event is unknown, it may be in tandem or it may be located elsewhere in the genome.